The following is an entry in ClinVar:

NM_001127511.3(APC):c.148T>C (p.Trp50Arg)

Gene: APC (APC regulator of Wnt signaling pathway; plus strand). Cytogenetic location: 5q22.2.
Variant type: single nucleotide variant.
Coding change: c.148T>C on transcript NM_001127511.3; coding-DNA position 148, T replaced by C.
Protein change: p.Trp50Arg; replaces tryptophan 50 with arginine.
Molecular consequence: missense variant. On other transcripts: 5 prime UTR variant (8), non-coding transcript variant (1), intron variant (5).
Genome position (GRCh38, 1-based): chr5:112,707,865, T>C. VCF-style: chr5-112707865-T-C. GRCh37 (hg19) VCF-style: chr5-112043562-T-C.
Other names: c.-36T>C (NM_001354895.2, NM_001407447.1, NM_001407452.1 and 3 more transcripts); c.148T>C, p.Trp50Arg (NM_001354897.2, NM_001354902.2, NM_001407446.1); c.-1071T>C (NM_001407470.1, NM_001407472.1); c.-19+216T>C (NM_001407448.1, NM_001407450.1, NM_001407457.1 and 1 more transcripts); c.-43+216T>C (NM_001407453.1); short protein forms W50R.
Identifiers: ClinVar variation 537686 (VCV000537686.11), dbSNP rs1488176769, ClinGen allele CA360612160.

ClinVar aggregate classification (germline): Uncertain significance. Review status: criteria provided, multiple submitters, no conflicts (2 of 4 stars). 2 submissions from 2 submitters: Uncertain significance (2). Last evaluated 2026-01-27.

Conditions:
Familial adenomatous polyposis 1 (FAP1). Also called: FAMILIAL ADENOMATOUS POLYPOSIS 1, ATTENUATED; POLYPOSIS, ADENOMATOUS INTESTINAL. Identifiers: MedGen C2713442, MONDO:0021056, OMIM 175100. Disease mechanism: loss of function.

Allele frequency attached by ClinVar (database versions not stated): TOPMed below 0.00001; gnomAD 0.00001.
gnomAD v4.1: 13 of 1,369,196 alleles (0.00095%); highest among the groups gnomAD compares: Non-Finnish European, 0.0013%; no homozygotes.

Submissions (2):

Labcorp Genetics (formerly Invitae), Labcorp
Classification: Uncertain significance for Familial adenomatous polyposis 1. Last evaluated: 2026-01-27. Review status: criteria provided, single submitter. Criteria: Invitae Variant Classification Sherloc (09022015). Collection method: clinical testing. Allele origin: germline.
Comment: This variant occurs in a non-coding region of the APC gene. It does not change the encoded amino acid sequence of the APC protein. This variant is not present in population databases (gnomAD no frequency). This variant has not been reported in the literature in individuals affected with APC-related conditions. ClinVar contains an entry for this variant (Variation ID: 537686). Experimental studies and prediction algorithms are not available or were not evaluated, and the functional significance of this variant is currently unknown. In summary, the available evidence is currently insufficient to determine the role of this variant in disease. Therefore, it has been classified as a Variant of Uncertain Significance.

Blueprint Genetics
Classification: Uncertain significance. Last evaluated: 2023-09-26. Review status: criteria provided, single submitter. Criteria: ACMG Guidelines, 2015. Collection method: clinical testing. Allele origin: germline.